The following is an entry in ClinVar:

ClinVar aggregate classification (germline): Uncertain significance. Review status: criteria provided, multiple submitters, no conflicts (2 of 4 stars). 2 submissions from 2 submitters: Uncertain significance (2). Last evaluated 2025-06-30.

Conditions:
Hereditary cancer-predisposing syndrome. Also called: Neoplastic Syndromes, Hereditary; Hereditary Cancer Syndrome; Hereditary neoplastic syndrome; Tumor predisposition. Identifiers: Orphanet 140162, MedGen C0027672, MeSH D009386, MONDO:0015356.
Renal cell carcinoma. Identifiers: Orphanet 217071, MedGen C0007134, MeSH D002292, MONDO:0005086, HP:0005584.

Allele frequency attached by ClinVar (database versions not stated): gnomAD exomes below 0.00001.
gnomAD v4.1: 1 of 1,613,952 alleles (0.000062%); highest among the groups gnomAD compares: Non-Finnish European, 0.000085%; no homozygotes.

Submissions (2):

Ambry Genetics
Classification: Uncertain significance for Hereditary cancer-predisposing syndrome. Last evaluated: 2025-06-30. Review status: criteria provided, single submitter. Criteria: Ambry Variant Classification Scheme 2023. Collection method: clinical testing. Allele origin: germline.
Comment: The p.L30P variant (also known as c.89T>C), located in coding exon 1 of the MET gene, results from a T to C substitution at nucleotide position 89. The leucine at codon 30 is replaced by proline, an amino acid with similar properties. This amino acid position is well conserved in available vertebrate species. In addition, this alteration is predicted to be tolerated by in silico analysis. Based on the available evidence, the clinical significance of this variant remains unclear.

Labcorp Genetics (formerly Invitae), Labcorp
Classification: Uncertain significance for Renal cell carcinoma. Last evaluated: 2024-10-21. Review status: criteria provided, single submitter. Criteria: Invitae Variant Classification Sherloc (09022015). Collection method: clinical testing. Allele origin: germline.
Comment: This sequence change replaces leucine, which is neutral and non-polar, with proline, which is neutral and non-polar, at codon 30 of the MET protein (p.Leu30Pro). This variant is not present in population databases (gnomAD no frequency). This variant has not been reported in the literature in individuals affected with MET-related conditions. ClinVar contains an entry for this variant (Variation ID: 2108063). Invitae Evidence Modeling of protein sequence and biophysical properties (such as structural, functional, and spatial information, amino acid conservation, physicochemical variation, residue mobility, and thermodynamic stability) indicates that this missense variant is not expected to disrupt MET protein function with a negative predictive value of 80%. In summary, the available evidence is currently insufficient to determine the role of this variant in disease. Therefore, it has been classified as a Variant of Uncertain Significance.

NM_000245.4(MET):c.89T>C (p.Leu30Pro)

Gene: MET (MET proto-oncogene, receptor tyrosine kinase; plus strand). Cytogenetic location: 7q31.2.
Variant type: single nucleotide variant.
Coding change: c.89T>C on transcript NM_000245.4 (MANE Select); coding-DNA position 89, T replaced by C.
Protein change: p.Leu30Pro; replaces leucine 30 with proline.
Molecular consequence: missense variant. On other transcripts: intron variant (1).
Genome position (GRCh38, 1-based): chr7:116,699,173, T>C. VCF-style: chr7-116699173-T-C. GRCh37 (hg19) VCF-style: chr7-116339227-T-C.
Other names: c.89T>C, p.Leu30Pro (NM_001127500.3, NM_001324401.3); c.-91+26596T>C (NM_001324402.2); short protein forms L30P.
Identifiers: ClinVar variation 2108063 (VCV002108063.5), dbSNP rs1797069603, ClinGen allele CA368968316.